The following is an entry in ClinVar:

NM_000052.7(ATP7A):c.1988C>T (p.Pro663Leu)

Gene: ATP7A (ATPase copper transporting alpha; plus strand). Cytogenetic location: Xq21.1.
Variant type: single nucleotide variant.
Coding change: c.1988C>T on transcript NM_000052.7 (MANE Select); coding-DNA position 1988, C replaced by T.
Protein change: p.Pro663Leu; replaces proline 663 with leucine.
Molecular consequence: missense variant.
Genome position (GRCh38, 1-based): chrX:78,011,490, C>T. VCF-style: chrX-78011490-C-T. GRCh37 (hg19) VCF-style: chrX-77266987-C-T.
Other names: c.1988C>T, p.Pro663Leu (NM_001282224.2); short protein forms P663L.
Identifiers: ClinVar variation 2113681 (VCV002113681.4), dbSNP rs2522349752, ClinGen allele CA413598161.

ClinVar aggregate classification (germline): Uncertain significance (1 of 4 stars; one submission).

Conditions:
X-linked distal spinal muscular atrophy type 3. Also called: ATP7A-Related Distal Motor Neuropathy; SPINAL MUSCULAR ATROPHY, DISTAL, X-LINKED RECESSIVE; NEURONOPATHY, DISTAL HEREDITARY MOTOR, X-LINKED; NEUROPATHY, DISTAL HEREDITARY MOTOR, X-LINKED. Identifiers: Orphanet 139557, MedGen C1845359, MONDO:0010338, OMIM 300489.
Menkes kinky-hair syndrome (MNK). Also called: Copper transport disease; Menkes Disease; Classic Menkes Disease. Identifiers: Orphanet 565, MedGen C0022716, MONDO:0010651, OMIM 309400.
Cutis laxa, X-linked (OHS). Also called: EDS IX; Occipital horn syndrome. Identifiers: Orphanet 198, MedGen C0268353, MONDO:0010572, OMIM 304150.

Submission:

Labcorp Genetics (formerly Invitae), Labcorp
Classification: Uncertain significance for X-linked distal spinal muscular atrophy type 3; Cutis laxa, X-linked; Menkes kinky-hair syndrome. Last evaluated: 2022-03-18. Review status: criteria provided, single submitter. Criteria: Invitae Variant Classification Sherloc (09022015). Collection method: clinical testing. Allele origin: germline.
Comment: This variant is not present in population databases (gnomAD no frequency). In summary, the available evidence is currently insufficient to determine the role of this variant in disease. Therefore, it has been classified as a Variant of Uncertain Significance. Advanced modeling of protein sequence and biophysical properties (such as structural, functional, and spatial information, amino acid conservation, physicochemical variation, residue mobility, and thermodynamic stability) performed at Invitae indicates that this missense variant is expected to disrupt ATP7A protein function. This variant has not been reported in the literature in individuals affected with ATP7A-related conditions. This sequence change replaces proline, which is neutral and non-polar, with leucine, which is neutral and non-polar, at codon 663 of the ATP7A protein (p.Pro663Leu).